The following is an entry in ClinVar:

ClinVar aggregate classification (germline): Likely benign (1 of 4 stars; one submission).

Submission:

CeGaT Center for Human Genetics Tuebingen
Classification: Likely benign. Last evaluated: 2026-08-01. Review status: criteria provided, single submitter. Criteria: CeGaT Center For Human Genetics Tuebingen Variant Classification Criteria Version 2. Collection method: clinical testing. Allele origin: germline. Affected: yes. Observed: 1 variant allele.
Comment: BCORL1: BP4, BS2

NM_001379451.1(BCORL1):c.3199C>T (p.Arg1067Trp)

Gene: BCORL1 (BCL6 corepressor like 1; plus strand). Cytogenetic location: Xq26.1.
Variant type: single nucleotide variant.
Coding change: c.3199C>T on transcript NM_001379451.1 (MANE Select); coding-DNA position 3199, C replaced by T.
Protein change: p.Arg1067Trp; replaces arginine 1067 with tryptophan.
Molecular consequence: missense variant.
Genome position (GRCh38, 1-based): chrX:130,015,971, C>T. VCF-style: chrX-130015971-C-T. GRCh37 (hg19) VCF-style: chrX-129149947-C-T.
Other names: c.3199C>T, p.Arg1067Trp (NM_001441330.1, NM_001441331.1, NM_001441332.1 and 7 more transcripts); short protein forms R1067W.
Identifiers: ClinVar variation 5039184 (VCV005039184.1).